The following is an entry in ClinVar:

NM_001291303.3(FAT4):c.2967A>G (p.Val989=)

Gene: FAT4 (FAT atypical cadherin 4; plus strand). Cytogenetic location: 4q28.1.
Variant type: single nucleotide variant.
Coding change: c.2967A>G on transcript NM_001291303.3 (MANE Select); coding-DNA position 2967, A replaced by G.
Protein change: p.Val989=; no amino-acid change (valine 989 retained).
Molecular consequence: synonymous variant.
Genome position (GRCh38, 1-based): chr4:125,319,378, A>G. VCF-style: chr4-125319378-A-G. GRCh37 (hg19) VCF-style: chr4-126240533-A-G.
Other names: c.2967A>G, p.Val989= (NM_001291285.3, NM_024582.6).
Identifiers: ClinVar variation 1928464 (VCV001928464.12), dbSNP rs749957923, ClinGen allele CA3072238.

ClinVar aggregate classification (germline): Likely benign. Review status: criteria provided, multiple submitters, no conflicts (2 of 4 stars). 2 submissions from 2 submitters: Likely benign (2). Last evaluated 2025-12-16.

Allele frequency attached by ClinVar (database versions not stated): ExAC 0.00001; gnomAD 0.00001; gnomAD exomes 0.00002; TOPMed 0.00002.
gnomAD v4.1: 28 of 1,612,864 alleles (0.0017%); highest among the groups gnomAD compares: Middle Eastern, 0.016%; no homozygotes.

Submissions (2):

Labcorp Genetics (formerly Invitae), Labcorp
Classification: Likely benign. Last evaluated: 2025-12-16. Review status: criteria provided, single submitter. Criteria: Invitae Variant Classification Sherloc (09022015). Collection method: clinical testing. Allele origin: germline.

CeGaT Center for Human Genetics Tuebingen
Classification: Likely benign. Last evaluated: 2025-09-01. Review status: criteria provided, single submitter. Criteria: CeGaT Center For Human Genetics Tuebingen Variant Classification Criteria Version 2. Collection method: clinical testing. Allele origin: germline. Affected: yes. Observed: 1 variant allele.
Comment: FAT4: BP4, BP7